The following is an entry in ClinVar:

ClinVar aggregate classification (germline): Likely pathogenic (1 of 4 stars; one submission).

Submission:

Labcorp Genetics (formerly Invitae), Labcorp
Classification: Likely pathogenic. Last evaluated: 2024-10-19. Review status: criteria provided, single submitter. Criteria: Invitae Variant Classification Sherloc (09022015). Collection method: clinical testing. Allele origin: germline.
Comment: This sequence change affects a donor splice site in intron 2 of the SMPX gene. It is expected to disrupt RNA splicing. Variants that disrupt the donor or acceptor splice site typically lead to a loss of protein function (PMID: 16199547), and loss-of-function variants in SMPX are known to be pathogenic (PMID: 21549336, 21549342, 22911656). This variant is not present in population databases (gnomAD no frequency). Disruption of this splice site has been observed in individual(s) with deafness (PMID: 33105617). Algorithms developed to predict the effect of sequence changes on RNA splicing suggest that this variant may disrupt the consensus splice site. In summary, the currently available evidence indicates that the variant is pathogenic, but additional data are needed to prove that conclusively. Therefore, this variant has been classified as Likely Pathogenic.

Literature cited by the submitters: PubMed 16199547; PubMed 21549336; PubMed 21549342; PubMed 22911656; PubMed 33105617.

NM_014332.3(SMPX):c.45+1G>A

Gene: SMPX (small muscle protein X-linked; minus strand). Cytogenetic location: Xp22.12.
Variant type: single nucleotide variant.
Coding change: c.45+1G>A on transcript NM_014332.3 (MANE Select); the canonical splice donor site of the intron after coding-DNA position 45, G replaced by A.
Molecular consequence: splice donor variant.
Genome position (GRCh38, 1-based): chrX:21,754,245, C>T on the plus strand (G>A on the coding strand, the complement: SMPX is on the minus strand). VCF-style: chrX-21754245-C-T. GRCh37 (hg19) VCF-style: chrX-21772363-C-T.
Identifiers: ClinVar variation 3677196 (VCV003677196.2).